The following is an entry in ClinVar:

NM_000081.4(LYST):c.4690G>A (p.Val1564Met)

Gene: LYST (lysosomal trafficking regulator; minus strand). Cytogenetic location: 1q42.3.
Variant type: single nucleotide variant.
Coding change: c.4690G>A on transcript NM_000081.4 (MANE Select); coding-DNA position 4690, G replaced by A.
Protein change: p.Val1564Met; replaces valine 1564 with methionine.
Molecular consequence: missense variant.
Genome position (GRCh38, 1-based): chr1:235,787,372, C>T on the plus strand (G>A on the coding strand, the complement: LYST is on the minus strand). VCF-style: chr1-235787372-C-T. GRCh37 (hg19) VCF-style: chr1-235950672-C-T.
Other names: c.4690G>A (NM_000081.2); c.4690G>A, p.Val1564Met (NM_001301365.1); short protein forms V1564M.
Identifiers: ClinVar variation 1516372 (VCV001516372.6), dbSNP rs775844553, ClinGen allele CA1466770.
Genomic context (GRCh38, chr1:235,787,372, plus strand): 5'-CCTGTGATTCAACCTGTGCTAGTAAAACAGCTTTCATGTCATCATTTGAATCCATGCACA[C>T]ACTACAGAAAAAGAGAAAAGGCATAGGCTGAAAACATGAAAATTCTGACCTCAGTGTTTA-3'
Protein context (NP_000072.2, residues 1554-1574): DPHNATLIFR[Val1564Met]CMDSNDDMKA

ClinVar aggregate classification (germline): Conflicting classifications of pathogenicity. Review status: criteria provided, conflicting classifications (1 of 4 stars). 2 submissions from 2 submitters: Uncertain significance (1); Likely benign (1). Last evaluated 2025-06-23.

Conditions:
Chédiak-Higashi syndrome (CHS). Also called: Chediak-Higashi Syndrome. Identifiers: Orphanet 167, MedGen C0007965, MONDO:0008963, OMIM 214500.
Inborn genetic diseases. Identifiers: MedGen C0950123, MeSH D030342.

Allele frequency attached by ClinVar (database versions not stated): gnomAD 0.00001; ExAC 0.00005; TOPMed 0.00006.
gnomAD v4.1: 28 of 1,613,192 alleles (0.0017%); highest among the groups gnomAD compares: Admixed American, 0.035%; no homozygotes.

Submissions (2):

Ambry Genetics
Classification: Likely benign for Inborn genetic diseases. Last evaluated: 2025-06-23. Review status: criteria provided, single submitter. Criteria: Ambry Variant Classification Scheme 2023. Collection method: clinical testing. Allele origin: germline.

Labcorp Genetics (formerly Invitae), Labcorp
Classification: Uncertain significance for Chédiak-Higashi syndrome. Last evaluated: 2022-08-23. Review status: criteria provided, single submitter. Criteria: Invitae Variant Classification Sherloc (09022015). Collection method: clinical testing. Allele origin: germline.
Comment: This sequence change replaces valine, which is neutral and non-polar, with methionine, which is neutral and non-polar, at codon 1564 of the LYST protein (p.Val1564Met). This variant is present in population databases (rs775844553, gnomAD 0.05%). This variant has not been reported in the literature in individuals affected with LYST-related conditions. ClinVar contains an entry for this variant (Variation ID: 1516372). Algorithms developed to predict the effect of missense changes on protein structure and function output the following: SIFT: "Tolerated"; PolyPhen-2: "Benign"; Align-GVGD: "Class C0". The methionine amino acid residue is found in multiple mammalian species, which suggests that this missense change does not adversely affect protein function. In summary, the available evidence is currently insufficient to determine the role of this variant in disease. Therefore, it has been classified as a Variant of Uncertain Significance.